The following is an entry in ClinVar:

ClinVar aggregate classification (germline): Likely benign. Review status: criteria provided, multiple submitters, no conflicts (2 of 4 stars). 3 submissions from 3 submitters: Likely benign (3). Last evaluated 2026-08-25.

Conditions:
Bardet-Biedl syndrome 6 (BBS6). Identifiers: Orphanet 110, MedGen C1858054, MONDO:0011523, OMIM 605231.
McKusick-Kaufman syndrome (MKKS). Also called: HYDROMETROCOLPOS SYNDROME; HYDROMETROCOLPOS, POSTAXIAL POLYDACTYLY, AND CONGENITAL HEART MALFORMATION. Identifiers: Orphanet 2473, MedGen C0948368, MONDO:0009367, OMIM 236700.
Bardet-Biedl syndrome (BBS). Identifiers: Orphanet 110, MedGen C0752166, MONDO:0015229.
MKKS-related disorder. Also called: MKKS-related condition; MKKS-related disorders.

Allele frequency attached by ClinVar (database versions not stated): gnomAD exomes below 0.00001 and 0.00001; TOPMed below 0.00001; ExAC 0.00001; gnomAD 0.00003; 1000 Genomes Project 30x 0.00016; 1000 Genomes Project 0.00020.
gnomAD v4.1: 11 of 1,612,142 alleles (0.00068%); highest among the groups gnomAD compares: African/African-American, 0.011%; 1 homozygote.

Submissions (3):

PreventionGenetics, part of Exact Sciences
Classification: Likely benign for MKKS-related condition. Last evaluated: 2026-08-25. Review status: criteria provided, single submitter. Criteria: ACMG Guidelines, 2015. Collection method: clinical testing. Allele origin: germline.
Comment: This variant is classified as likely benign based on ACMG/AMP sequence variant interpretation guidelines (Richards et al. 2015 PMID: 25741868, with internal and published modifications).

Labcorp Genetics (formerly Invitae), Labcorp
Classification: Likely benign for McKusick-Kaufman syndrome; Bardet-Biedl syndrome. Last evaluated: 2023-10-05. Review status: criteria provided, single submitter. Criteria: Invitae Variant Classification Sherloc (09022015). Collection method: clinical testing. Allele origin: germline.

Fulgent Genetics
Classification: Likely benign for McKusick-Kaufman syndrome; Bardet-Biedl syndrome 6. Last evaluated: 2022-01-04. Review status: criteria provided, single submitter. Criteria: ACMG Guidelines, 2015. Collection method: clinical testing. Allele origin: unknown.

NM_170784.3(MKKS):c.1695T>C (p.Val565=)

Gene: MKKS (MKKS centrosomal shuttling protein; minus strand). Cytogenetic location: 20p12.2.
Variant type: single nucleotide variant.
Coding change: c.1695T>C on transcript NM_170784.3 (MANE Select); coding-DNA position 1695, T replaced by C.
Protein change: p.Val565=; no amino-acid change (valine 565 retained).
Molecular consequence: synonymous variant. On other transcripts: non-coding transcript variant (1).
Genome position (GRCh38, 1-based): chr20:10,405,265, A>G on the plus strand (T>C on the coding strand, the complement: MKKS is on the minus strand). VCF-style: chr20-10405265-A-G. GRCh37 (hg19) VCF-style: chr20-10385913-A-G.
Other names: c.1695T>C, p.Val565= (NM_018848.3).
Identifiers: ClinVar variation 1105656 (VCV001105656.11), dbSNP rs554395344, ClinGen allele CA9763440.